The following is an entry in ClinVar:

NM_001267550.2(TTN):c.59344+1G>T

Genes: TTN-AS1 (TTN antisense RNA 1; plus strand), TTN (titin; minus strand), LOC126806424 (CDK7 strongly-dependent group 2 enhancer GRCh37_chr2:179456337-179457536; plus strand). Cytogenetic location: 2q31.2.
Variant type: single nucleotide variant.
Coding change: c.59344+1G>T on transcript NM_001267550.2 (MANE Select); the canonical splice donor site of the intron after coding-DNA position 59344, G replaced by T.
Molecular consequence: splice donor variant.
Genome position (GRCh38, 1-based): chr2:178,592,774, C>A on the plus strand (G>T on the coding strand, the complement: TTN is on the minus strand). VCF-style: chr2-178592774-C-A. GRCh37 (hg19) VCF-style: chr2-179457501-C-A.
Other names: c.32149+1G>T (NM_003319.4); c.32725+1G>T (NM_133437.4); c.32524+1G>T (NM_133432.3); c.51640+1G>T (NM_133378.4); c.54421+1G>T (NM_001256850.1).
Identifiers: ClinVar variation 4884616 (VCV004884616.1).

ClinVar aggregate classification (germline): Uncertain significance (1 of 4 stars; one submission).

Conditions:
Fetal anomalies with a likely genetic cause.

gnomAD v4.1: 2 of 1,613,314 alleles (0.00012%); highest among the groups gnomAD compares: South Asian, 0.0022%; no homozygotes.

Submission:

Genetics Laboratory, Great Ormond Street Hospital NHS Foundation Trust, North Thames Genomic Laboratory Hub
Classification: Uncertain significance for Fetal anomalies with a likely genetic cause. Last evaluated: 2026-06-15. Review status: criteria provided, single submitter. Criteria: ACGS Best Practice Guidelines for Variant Classification in Rare Disease 2024 v1.2. Collection method: clinical testing. Allele origin: germline. Affected: yes.
Comment: PM2_moderate, PVS1_moderate